The following is an entry in ClinVar:

NM_000245.4(MET):c.3028+5A>T

Gene: MET (MET proto-oncogene, receptor tyrosine kinase; plus strand). Cytogenetic location: 7q31.2.
Variant type: single nucleotide variant.
Coding change: c.3028+5A>T on transcript NM_000245.4 (MANE Select); 5 bases into the intron after coding-DNA position 3028, A replaced by T.
Molecular consequence: intron variant.
Genome position (GRCh38, 1-based): chr7:116,771,994, A>T. VCF-style: chr7-116771994-A-T. GRCh37 (hg19) VCF-style: chr7-116412048-A-T.
Other names: c.3082+5A>T (NM_001127500.3); c.1738+5A>T (NM_001324402.2).
Identifiers: ClinVar variation 4827498 (VCV004827498.1).
Genomic context (GRCh38, chr7:116,771,994, plus strand): 5'-AACTACAGAAATGGTTTCAAATGAATCTGTAGACTACCGAGCTACTTTTCCAGAAGGTAT[A>T]TTTCAGTTTATTGTTCTGAGAAATACCTATACATATACCTCAGTGGGTTGTGACATTGTT-3'

ClinVar aggregate classification (germline): Uncertain significance (1 of 4 stars; one submission).

Conditions:
Hereditary cancer-predisposing syndrome. Also called: Neoplastic Syndromes, Hereditary; Tumor predisposition; Hereditary Cancer Syndrome; Hereditary neoplastic syndrome. Identifiers: Orphanet 140162, MedGen C0027672, MeSH D009386, MONDO:0015356.

Submission:

Ambry Genetics
Classification: Uncertain significance for Hereditary cancer-predisposing syndrome. Last evaluated: 2026-03-13. Review status: criteria provided, single submitter. Criteria: Ambry Variant Classification Scheme 2023. Collection method: clinical testing. Allele origin: germline.
Comment: The c.3082+5A>T intronic variant results from an A to T substitution 5 nucleotides after coding exon 13 in the MET gene. This nucleotide position is not well conserved in available vertebrate species. In silico splice site analysis predicts that this alteration will not have any significant effect on splicing. Based on the available evidence, the clinical significance of this variant remains unclear.